The following is an entry in ClinVar:

ClinVar aggregate classification (germline): Pathogenic/Likely pathogenic. Review status: criteria provided, multiple submitters, no conflicts (2 of 4 stars). 4 submissions from 4 submitters: Pathogenic (3); Likely pathogenic (1). Last evaluated 2025-06-25.

Conditions:
Ehlers-Danlos syndrome, type 4 (EDSVASC). Also called: Ehlers-Danlos Syndrome Type IV; Ehlers-Danlos syndrome vascular type; Ehlers Danlos syndrome, ecchymotic type; Ehlers Danlos syndrome, arterial type; Ehlers Danlos syndrome, Sack-Barabas type. Identifiers: Orphanet 286, MedGen C0268338, MONDO:0017314, OMIM 130050.
Familial thoracic aortic aneurysm and aortic dissection (TAAD). Also called: Thoracic aortic aneurysms and dissections. Identifiers: Orphanet 91387, MedGen C4707243, MONDO:0019625.

Allele frequency attached by ClinVar (database versions not stated): gnomAD exomes below 0.00001.
gnomAD v4.1: 4 of 1,614,100 alleles (0.00025%); highest among the groups gnomAD compares: East Asian, 0.0022%; no homozygotes.

Submissions (4):

GeneDx
Classification: Pathogenic. Last evaluated: 2025-06-25. Review status: criteria provided, single submitter. Criteria: GeneDx Variant Classification Process June 2021. Collection method: clinical testing. Allele origin: germline. Affected: yes.
Comment: Nonsense variant predicted to result in protein truncation or nonsense mediated decay in a gene for which loss of function is a known mechanism of disease; Not observed at significant frequency in large population cohorts (gnomAD); This variant is associated with the following publications: (PMID: 33087929, 26017485, 38225666, 35984436)

Labcorp Genetics (formerly Invitae), Labcorp
Classification: Pathogenic for Ehlers-Danlos syndrome, type 4. Last evaluated: 2025-01-21. Review status: criteria provided, single submitter. Criteria: Invitae Variant Classification Sherloc (09022015). Collection method: clinical testing. Allele origin: germline.
Comment: This sequence change creates a premature translational stop signal (p.Arg491*) in the COL3A1 gene. It is expected to result in an absent or disrupted protein product. Loss-of-function variants in COL3A1 are known to be pathogenic (PMID: 24922459). This variant is not present in population databases (gnomAD no frequency). This premature translational stop signal has been observed in individual(s) with COL3A1-related conditions (PMID: 26017485, 35984436). ClinVar contains an entry for this variant (Variation ID: 372921). For these reasons, this variant has been classified as Pathogenic.

Ambry Genetics
Classification: Pathogenic for Familial thoracic aortic aneurysm and aortic dissection. Last evaluated: 2022-10-24. Review status: criteria provided, single submitter. Criteria: Ambry Variant Classification Scheme 2023. Collection method: clinical testing. Allele origin: germline.
Comment: The p.R491* pathogenic mutation (also known as c.1471C>T), located in coding exon 21 of the COL3A1 gene, results from a C to T substitution at nucleotide position 1471. This changes the amino acid from an arginine to a stop codon within coding exon 21. This variant has been detected in a proband with arterial dissection (van de Luijtgaarden KM et al. Hum Genet. 2015 Aug;134(8):881-93). This variant is considered to be rare based on population cohorts in the Genome Aggregation Database (gnomAD). In addition to the clinical data presented in the literature, this alteration is expected to result in loss of function by premature protein truncation or nonsense-mediated mRNA decay. As such, this alteration is interpreted as a disease-causing mutation.

Laboratory for Molecular Medicine, Mass General Brigham Personalized Medicine
Classification: Likely pathogenic for Ehlers-Danlos syndrome, type 4. Last evaluated: 2019-08-07. Review status: criteria provided, single submitter. Criteria: ACMG Guidelines, 2015. Collection method: clinical testing. Allele origin: germline. Inheritance: Autosomal dominant inheritance.
Comment: The p.Arg491X variant in COL3A1 has been reported in one individual with abdominal aortic aneurysm and segregated with disease in 2 affected relatives (van de Luijtgaarden 2015). It was absent from large population studies, but has been reported in ClinVar (Variation ID: 372921). This nonsense variant leads to a premature termination codon at position 491, which is predicted to lead to a truncated or absent protein. Loss of function of the COL3A1 gene is an established disease mechanism in autosomal dominant vascular Ehlers-Danlos syndrome (vEDS). In summary, although additional studies are required to fully establish its clinical significance, this variant meets criteria to be classified as likely pathogenic for autosomal dominant vEDS. ACMG/AMP Criteria applied: PVS1, PM2.

Literature cited by the submitters: PubMed 24922459 (cited by Labcorp Genetics (formerly Invitae), Labcorp); PubMed 26017485 (cited by 3 submitters); PubMed 35984436 (cited by Labcorp Genetics (formerly Invitae), Labcorp); PubMed 33087929 (cited by Ambry Genetics).

NM_000090.4(COL3A1):c.1471C>T (p.Arg491Ter)

Gene: COL3A1 (collagen type III alpha 1 chain; plus strand). Cytogenetic location: 2q32.2.
Variant type: single nucleotide variant.
Coding change: c.1471C>T on transcript NM_000090.4 (MANE Select); coding-DNA position 1471, C replaced by T.
Protein change: p.Arg491Ter; replaces arginine 491 with a stop codon.
Molecular consequence: nonsense.
Genome position (GRCh38, 1-based): chr2:188,995,061, C>T. VCF-style: chr2-188995061-C-T. GRCh37 (hg19) VCF-style: chr2-189859787-C-T.
Other names: short protein forms R491*.
Identifiers: ClinVar variation 372921 (VCV000372921.12), dbSNP rs1057518075, ClinGen allele CA16042424.